The following is an entry in ClinVar:

NM_173076.3(ABCA12):c.1250A>G (p.Asp417Gly)

Gene: ABCA12 (ATP binding cassette subfamily A member 12; minus strand). Cytogenetic location: 2q35.
Variant type: single nucleotide variant.
Coding change: c.1250A>G on transcript NM_173076.3 (MANE Select); coding-DNA position 1250, A replaced by G.
Protein change: p.Asp417Gly; replaces aspartic acid 417 with glycine.
Molecular consequence: missense variant. On other transcripts: non-coding transcript variant (1).
Genome position (GRCh38, 1-based): chr2:215,025,710, T>C on the plus strand (A>G on the coding strand, the complement: ABCA12 is on the minus strand). VCF-style: chr2-215025710-T-C. GRCh37 (hg19) VCF-style: chr2-215890434-T-C.
Other names: c.296A>G, p.Asp99Gly (NM_015657.4); short protein forms D417G, D99G.
Identifiers: ClinVar variation 1364456 (VCV001364456.6), dbSNP rs1700729342, ClinGen allele CA350448886.

ClinVar aggregate classification (germline): Uncertain significance (1 of 4 stars; one submission).

Allele frequency attached by ClinVar (database versions not stated): TOPMed below 0.00001; gnomAD exomes below 0.00001.
gnomAD v4.1: 1 of 1,612,414 alleles (0.000062%); highest among the groups gnomAD compares: Non-Finnish European, 0.000085%; no homozygotes.

Submission:

Labcorp Genetics (formerly Invitae), Labcorp
Classification: Uncertain significance. Last evaluated: 2021-10-13. Review status: criteria provided, single submitter. Criteria: Invitae Variant Classification Sherloc (09022015). Collection method: clinical testing. Allele origin: germline.
Comment: This variant has not been reported in the literature in individuals affected with ABCA12-related conditions. In summary, the available evidence is currently insufficient to determine the role of this variant in disease. Therefore, it has been classified as a Variant of Uncertain Significance. Algorithms developed to predict the effect of sequence changes on RNA splicing suggest that this variant may create or strengthen a splice site. Advanced modeling of protein sequence and biophysical properties (such as structural, functional, and spatial information, amino acid conservation, physicochemical variation, residue mobility, and thermodynamic stability) performed at Invitae indicates that this missense variant is not expected to disrupt ABCA12 protein function. This variant is not present in population databases (ExAC no frequency). This sequence change replaces aspartic acid with glycine at codon 417 of the ABCA12 protein (p.Asp417Gly). The aspartic acid residue is moderately conserved and there is a moderate physicochemical difference between aspartic acid and glycine.